The following is an entry in ClinVar:

ClinVar aggregate classification (germline): Uncertain significance (1 of 4 stars; one submission).

Conditions:
Hyperphosphatasia with impaired intellectual development syndrome 2. Also called: Hyperphosphatasia with intellectual disability syndrome 2; GLYCOSYLPHOSPHATIDYLINOSITOL BIOSYNTHESIS DEFECT 6. Identifiers: Orphanet 247262, MedGen C3553637, MONDO:0013882, OMIM 614749.

Submission:

Labcorp Genetics (formerly Invitae), Labcorp
Classification: Uncertain significance for Hyperphosphatasia with impaired intellectual development syndrome 2. Last evaluated: 2021-06-03. Review status: criteria provided, single submitter. Criteria: Invitae Variant Classification Sherloc (09022015). Collection method: clinical testing. Allele origin: germline.
Comment: In summary, the available evidence is currently insufficient to determine the role of this variant in disease. Therefore, it has been classified as a Variant of Uncertain Significance. Algorithms developed to predict the effect of missense changes on protein structure and function are either unavailable or do not agree on the potential impact of this missense change (SIFT: "Tolerated"; PolyPhen-2: "Probably Damaging"; Align-GVGD: "Class C0"). This variant has not been reported in the literature in individuals with PIGO-related conditions. This variant is not present in population databases (ExAC no frequency). This sequence change replaces glycine with valine at codon 1013 of the PIGO protein (p.Gly1013Val). The glycine residue is moderately conserved and there is a moderate physicochemical difference between glycine and valine.

NM_032634.4(PIGO):c.3038G>T (p.Gly1013Val)

Gene: PIGO (phosphatidylinositol glycan anchor biosynthesis class O; minus strand). Cytogenetic location: 9p13.3.
Variant type: single nucleotide variant.
Coding change: c.3038G>T on transcript NM_032634.4 (MANE Select); coding-DNA position 3038, G replaced by T.
Protein change: p.Gly1013Val; replaces glycine 1013 with valine.
Molecular consequence: missense variant.
Genome position (GRCh38, 1-based): chr9:35,090,097, C>A on the plus strand (G>T on the coding strand, the complement: PIGO is on the minus strand). VCF-style: chr9-35090097-C-A. GRCh37 (hg19) VCF-style: chr9-35090094-C-A.
Other names: c.1787G>T, p.Gly596Val (NM_001201484.2, NM_152850.4); short protein forms G1013V, G596V.
Identifiers: ClinVar variation 1471173 (VCV001471173.6), dbSNP rs1829343312, ClinGen allele CA373317554.